The following is an entry in ClinVar:

NM_000465.4(BARD1):c.697G>T (p.Glu233Ter)

Gene: BARD1 (BRCA1 associated RING domain 1; minus strand). Cytogenetic location: 2q35.
Variant type: single nucleotide variant.
Coding change: c.697G>T on transcript NM_000465.4 (MANE Select); coding-DNA position 697, G replaced by T.
Protein change: p.Glu233Ter; replaces glutamic acid 233 with a stop codon.
Molecular consequence: nonsense. On other transcripts: non-coding transcript variant (2), intron variant (3).
Genome position (GRCh38, 1-based): chr2:214,781,177, C>A on the plus strand (G>T on the coding strand, the complement: BARD1 is on the minus strand). VCF-style: chr2-214781177-C-A. GRCh37 (hg19) VCF-style: chr2-215645901-C-A.
Other names: c.640G>T, p.Glu214Ter (NM_001282543.2); c.158+28235G>T (NM_001282548.2); c.215+15884G>T (NM_001282545.2); c.364+11120G>T (NM_001282549.2); short protein forms E214*, E233*.
Identifiers: ClinVar variation 2583314 (VCV002583314.2), dbSNP rs2469509820, ClinGen allele CA350456362.
Genomic context (GRCh38, chr2:214,781,177, plus strand): 5'-GAGGACTGGAGATAACAGATGGTTGGCTACAGAAGGATACCAGCTTTTGCTTAGATTCCT[C>A]TTTGGAGTCAAATTCACCATCTTCTTTTTCTGCCTCTAAATTCCATTTTTGGTTGATTTC-3'

ClinVar aggregate classification (germline): Pathogenic (1 of 4 stars; one submission).

Conditions:
Familial cancer of breast. Also called: Hereditary breast cancer; BREAST CANCER, FAMILIAL; hereditary breast carcinoma. Identifiers: Orphanet 227535, MedGen C0346153, MONDO:0016419, OMIM 114480. Disease mechanism: loss of function.

Submission:

Myriad Genetics, Inc.
Classification: Pathogenic for Familial cancer of breast. Last evaluated: 2023-05-19. Review status: criteria provided, single submitter. Criteria: Myriad Autosomal Dominant, Autosomal Recessive and X-Linked Classification Criteria (2023). Collection method: clinical testing. Allele origin: unknown.
Comment: This variant is considered pathogenic. This variant creates a termination codon and is predicted to result in premature protein truncation.